The following is an entry in ClinVar:

ClinVar aggregate classification (germline): Pathogenic (1 of 4 stars; one submission).

Allele frequency attached by ClinVar (database versions not stated): gnomAD exomes below 0.00001.

Submission:

Labcorp Genetics (formerly Invitae), Labcorp
Classification: Pathogenic. Last evaluated: 2023-06-25. Review status: criteria provided, single submitter. Criteria: Invitae Variant Classification Sherloc (09022015). Collection method: clinical testing. Allele origin: germline.
Comment: For these reasons, this variant has been classified as Pathogenic. This variant has not been reported in the literature in individuals affected with PCNT-related conditions. This variant is not present in population databases (gnomAD no frequency). This sequence change creates a premature translational stop signal (p.Glu372*) in the PCNT gene. It is expected to result in an absent or disrupted protein product. Loss-of-function variants in PCNT are known to be pathogenic (PMID: 18174396, 22821869).

Literature cited by the submitters: PubMed 18174396; PubMed 22821869.

NM_006031.6(PCNT):c.1114G>T (p.Glu372Ter)

Gene: PCNT (pericentrin; plus strand). Cytogenetic location: 21q22.3.
Variant type: single nucleotide variant.
Coding change: c.1114G>T on transcript NM_006031.6 (MANE Select); coding-DNA position 1114, G replaced by T.
Protein change: p.Glu372Ter; replaces glutamic acid 372 with a stop codon.
Molecular consequence: nonsense.
Genome position (GRCh38, 1-based): chr21:46,349,093, G>T. VCF-style: chr21-46349093-G-T. GRCh37 (hg19) VCF-style: chr21-47769007-G-T.
Other names: c.760G>T, p.Glu254Ter (NM_001315529.2); short protein forms E254*, E372*.
Identifiers: ClinVar variation 2728740 (VCV002728740.3), dbSNP rs2518077276, ClinGen allele CA410555533.